The following is an entry in ClinVar:

NM_002878.4(RAD51D):c.346-5C>T

Genes: RAD51L3-RFFL (RAD51L3-RFFL readthrough; minus strand), RAD51D (RAD51 paralog D; minus strand). Cytogenetic location: 17q12.
Variant type: single nucleotide variant.
Coding change: c.346-5C>T on transcript NM_002878.4 (MANE Select); 5 bases into the intron before coding-DNA position 346, C replaced by T.
Molecular consequence: intron variant.
Genome position (GRCh38, 1-based): chr17:35,107,127, G>A on the plus strand (C>T on the coding strand, the complement: RAD51D is on the minus strand). VCF-style: chr17-35107127-G-A. GRCh37 (hg19) VCF-style: chr17-33434146-G-A.
Other names: c.145-646C>T (NM_133629.3); c.406-5C>T (NM_001142571.2).
Identifiers: ClinVar variation 823802 (VCV000823802.11), dbSNP rs750169840, ClinGen allele CA8499491.

ClinVar aggregate classification (germline): Conflicting classifications of pathogenicity. Review status: criteria provided, conflicting classifications (1 of 4 stars). 4 submissions from 4 submitters: Uncertain significance (1); Likely benign (3). Last evaluated 2025-04-29.

Conditions:
Hereditary cancer-predisposing syndrome. Also called: Neoplastic Syndromes, Hereditary; Tumor predisposition; Hereditary neoplastic syndrome; Hereditary Cancer Syndrome. Identifiers: Orphanet 140162, MedGen C0027672, MeSH D009386, MONDO:0015356.
Breast-ovarian cancer, familial, susceptibility to, 4. Identifiers: Orphanet 145, MedGen C3280345, MONDO:0013669, OMIM 614291.

Allele frequency attached by ClinVar (database versions not stated): gnomAD exomes below 0.00001; ExAC 0.00001.

Submissions (4):

Women's Health and Genetics/Laboratory Corporation of America, LabCorp
Classification: Likely benign. Last evaluated: 2025-04-29. Review status: criteria provided, single submitter. Criteria: LabCorp Variant Classification Summary - May 2015. Collection method: clinical testing. Allele origin: germline.

Myriad Genetics, Inc.
Classification: Likely benign for Breast-ovarian cancer, familial, susceptibility to, 4. Last evaluated: 2025-02-21. Review status: criteria provided, single submitter. Criteria: Myriad Autosomal Dominant, Autosomal Recessive and X-Linked Classification Criteria (2023). Collection method: clinical testing. Allele origin: unknown.
Comment: This variant is considered likely benign. This variant is intronic and is not expected to impact mRNA splicing.

Ambry Genetics
Classification: Uncertain significance for Hereditary cancer-predisposing syndrome. Last evaluated: 2024-05-22. Review status: criteria provided, single submitter. Criteria: Ambry Variant Classification Scheme 2023. Collection method: clinical testing. Allele origin: germline.
Comment: The c.346-5C>T intronic variant results from a C to T substitution 5 nucleotides upstream from coding exon 5 in the RAD51D gene. This nucleotide position is poorly conserved in available vertebrate species. In silico splice site analysis predicts that this alteration will not have any significant effect on splicing. Based on the available evidence, the clinical significance of this variant remains unclear.

Labcorp Genetics (formerly Invitae), Labcorp
Classification: Likely benign for Breast-ovarian cancer, familial, susceptibility to, 4. Last evaluated: 2024-04-15. Review status: criteria provided, single submitter. Criteria: Invitae Variant Classification Sherloc (09022015). Collection method: clinical testing. Allele origin: germline.